The following is an entry in ClinVar:

ClinVar aggregate classification (germline): Uncertain significance (1 of 4 stars; one submission).

Conditions:
Cleidocranial dysostosis (CLCD1). Also called: cleidocranial dysplasia 1; Cleidocranial Dysplasia Spectrum Disorder; Marie-Sainton disease. Identifiers: Orphanet 1452, MedGen C0008928, MONDO:0007340, OMIM 119600.

Submission:

Institute of Human Genetics, University of Goettingen
Classification: Uncertain significance for Cleidocranial dysostosis. Last evaluated: 2024-09-24. Review status: criteria provided, single submitter. Criteria: ACMG Guidelines, 2015. Collection method: clinical testing. Allele origin: de novo. Inheritance: Autosomal dominant inheritance. Affected: yes. Observed: 1 heterozygote.
Comment: In summary, the available evidence is currently insufficient to determine the role of this variant in disease. Therefore, it has been classified as a Variant of Uncertain Significance. 1. a comparison with the gnomAD browser did not provide any evidence that this sequence change is a norm variant that can be detected in non-infected individuals 2. the variant type is known to be pathogenic in the disease of question (Cleidocranial dysostosis) 3. the variant is classified as probably damaging/disease causing by independent prediction programs

NM_001024630.4(RUNX2):c.452G>A (p.Gly151Glu)

Gene: RUNX2 (RUNX family transcription factor 2; plus strand). Cytogenetic location: 6p21.1.
Variant type: single nucleotide variant.
Coding change: c.452G>A on transcript NM_001024630.4 (MANE Select); coding-DNA position 452, G replaced by A.
Protein change: p.Gly151Glu; replaces glycine 151 with glutamic acid.
Molecular consequence: missense variant.
Genome position (GRCh38, 1-based): chr6:45,431,891, G>A. VCF-style: chr6-45431891-G-A. GRCh37 (hg19) VCF-style: chr6-45399628-G-A.
Other names: c.452G>A, p.Gly151Glu (NM_001015051.4); c.410G>A, p.Gly137Glu (NM_001278478.2, NM_001369405.1); short protein forms G137E, G151E.
Identifiers: ClinVar variation 3600993 (VCV003600993.2).